The following is an entry in ClinVar:

ClinVar aggregate classification (germline): Pathogenic (1 of 4 stars; one submission).

Allele frequency attached by ClinVar (database versions not stated): gnomAD exomes below 0.00001.

Submission:

GeneDx
Classification: Pathogenic. Last evaluated: 2018-11-05. Review status: criteria provided, single submitter. Criteria: GeneDx Variant Classification (06012015). Collection method: clinical testing. Allele origin: germline. Affected: yes.
Comment: The c.882_888delCCACGGG pathogenic variant in the TGM1 gene has been reported previously in association with autosomal recessive congenital ichthyosis, but no additional information on the affected individual was provided (Farasat et al., 2009). The c.882_888delCCACGGG variant causes a frameshift starting with codon Aspartic acid 294, changes this amino acid to a Glutamic acid residue, and creates a premature Stop codon at position 34 of the new reading frame, denoted p.Asp294GlufsX34. This variant is predicted to cause loss of normal protein function either through protein truncation or nonsense-mediated mRNA decay. The c.882_888delCCACGGG variant is not observed in large population cohorts (Lek et al., 2016). We interpret c.882_888delCCACGGG as a pathogenic variant.

NM_000359.3(TGM1):c.882_888del (p.Asp294fs)

Gene: TGM1 (transglutaminase 1; minus strand). Cytogenetic location: 14q12.
Variant type: Deletion.
Coding change: c.882_888del on transcript NM_000359.3 (MANE Select); coding-DNA positions 882 to 888, 7 bases deleted (CCACGGG; older notation c.882_888delCCACGGG).
Protein change: p.Asp294fs; shifts the reading frame from aspartic acid 294.
Molecular consequence: frameshift variant.
Genome position (GRCh38, 1-based): chr14:24,259,800-24,259,806, CCCGTGG deleted on the plus strand (CCACGGG on the coding strand, the reverse complement: TGM1 is on the minus strand). VCF-style (leftmost placement, unchanged base first): chr14-24259799-CCCCGTGG-C. GRCh37 (hg19) VCF-style: chr14-24729005-CCCCGTGG-C.
Other names: short protein forms D294fs.
Identifiers: ClinVar variation 817048 (VCV000817048.1), dbSNP rs1594571770, ClinGen allele CA915948912.
Genomic context (GRCh38, chr14:24,259,799, plus strand): 5'-CTCCACGGCCTCCATATGGCATCCCCCGCCGGTCCAGGATGTATAAGCAGGCATCCAGCA[CCCCGTGG>C]TCAAACTGGAAGGAGGGATGGAGGGCAGAGGTGACAGCCTGAACCCTAGGCCAGCACCCT-3'